The following is an entry in ClinVar:

NM_004360.5(CDH1):c.763C>T (p.Gln255Ter)

Gene: CDH1 (cadherin 1; plus strand). Cytogenetic location: 16q22.1.
Variant type: single nucleotide variant.
Coding change: c.763C>T on transcript NM_004360.5 (MANE Select); coding-DNA position 763, C replaced by T.
Protein change: p.Gln255Ter; replaces glutamine 255 with a stop codon.
Molecular consequence: nonsense. On other transcripts: 5 prime UTR variant (2).
Genome position (GRCh38, 1-based): chr16:68,810,272, C>T. VCF-style: chr16-68810272-C-T. GRCh37 (hg19) VCF-style: chr16-68844175-C-T.
Other names: c.763C>T, p.Gln255Ter (NM_001317184.2); c.-853C>T (NM_001317185.2); c.-1057C>T (NM_001317186.2); short protein forms Q255*.
Identifiers: ClinVar variation 2584208 (VCV002584208.2), dbSNP rs2152131090, ClinGen allele CA396458624.

ClinVar aggregate classification (germline): Pathogenic (1 of 4 stars; one submission).

Conditions:
Hereditary diffuse gastric adenocarcinoma (HDGC). Also called: DIFFUSE GASTRIC AND LOBULAR BREAST CANCER SYNDROME. Identifiers: Orphanet 26106, MedGen C1708349, MONDO:0007648, OMIM 137215.

Submission:

Myriad Genetics, Inc.
Classification: Pathogenic for Hereditary diffuse gastric adenocarcinoma. Last evaluated: 2023-06-12. Review status: criteria provided, single submitter. Criteria: Myriad Autosomal Dominant, Autosomal Recessive and X-Linked Classification Criteria (2023). Collection method: clinical testing. Allele origin: unknown.
Comment: This variant is considered pathogenic. This variant creates a termination codon and is predicted to result in premature protein truncation.